The following is an entry in ClinVar:

ClinVar aggregate classification (germline): Pathogenic. Review status: criteria provided, multiple submitters, no conflicts (2 of 4 stars). 2 submissions from 2 submitters: Pathogenic (2). Last evaluated 2025-09-25.

Conditions:
Hereditary cancer-predisposing syndrome. Also called: Hereditary Cancer Syndrome; Hereditary neoplastic syndrome; Neoplastic Syndromes, Hereditary; Tumor predisposition. Identifiers: Orphanet 140162, MedGen C0027672, MeSH D009386, MONDO:0015356.

Submissions (2):

Ambry Genetics
Classification: Pathogenic for Hereditary cancer-predisposing syndrome. Last evaluated: 2025-09-25. Review status: criteria provided, single submitter. Criteria: Ambry Variant Classification Scheme 2023. Collection method: clinical testing. Allele origin: germline.
Comment: The p.E92* pathogenic mutation (also known as c.274G>T), located in coding exon 3 of the TSC2 gene, results from a G to T substitution at nucleotide position 274. This changes the amino acid from a glutamic acid to a stop codon within coding exon 3. This variant is considered to be rare based on population cohorts in the Genome Aggregation Database (gnomAD). This alteration is expected to result in loss of function by premature protein truncation or nonsense-mediated mRNA decay. As such, this alteration is interpreted as a disease-causing mutation.

Laboratory of Genetics, Children's Clinical University Hospital Latvia
Classification: Pathogenic. Last evaluated: 2025-02-16. Review status: criteria provided, single submitter. Criteria: ACMG Guidelines, 2015. Collection method: clinical testing. Allele origin: germline. Affected: yes.

NM_000548.5(TSC2):c.274G>T (p.Glu92Ter)

Gene: TSC2 (TSC complex subunit 2; plus strand). Cytogenetic location: 16p13.3.
Variant type: single nucleotide variant.
Coding change: c.274G>T on transcript NM_000548.5 (MANE Select); coding-DNA position 274, G replaced by T.
Protein change: p.Glu92Ter; replaces glutamic acid 92 with a stop codon.
Molecular consequence: nonsense. On other transcripts: 5 prime UTR variant (14), non-coding transcript variant (5), intron variant (9).
Genome position (GRCh38, 1-based): chr16:2,053,390, G>T. VCF-style: chr16-2053390-G-T. GRCh37 (hg19) VCF-style: chr16-2103391-G-T.
Other names: c.274G>T, p.Glu92Ter (NM_001077183.3, NM_001114382.3, NM_001363528.2 and 10 more transcripts); c.127G>T, p.Glu43Ter (NM_001318829.2, NM_001406675.1, NM_001406676.1 and 2 more transcripts); c.307G>T, p.Glu103Ter (NM_001318832.2); c.-543G>T (NM_001406680.1, NM_001406683.1, NM_001406687.1); c.-172G>T (NM_001406681.1); c.-1158G>T (NM_001406689.1, NM_001406690.1, NM_001406691.1 and 2 more transcripts); c.-1464G>T (NM_001406693.1); c.-1039G>T (NM_001406694.1, NM_001406695.1); and 4 more; short protein forms E103*, E43*, E92*.
Identifiers: ClinVar variation 3911794 (VCV003911794.2).